The following is an entry in ClinVar:

NM_001046.3(SLC12A2):c.2977+1G>A

Gene: SLC12A2 (solute carrier family 12 member 2; plus strand). Cytogenetic location: 5q23.3.
Variant type: single nucleotide variant.
Coding change: c.2977+1G>A on transcript NM_001046.3 (MANE Select); the canonical splice donor site of the intron after coding-DNA position 2977, G replaced by A.
Molecular consequence: splice donor variant. On other transcripts: intron variant (1).
Genome position (GRCh38, 1-based): chr5:128,177,153, G>A. VCF-style: chr5-128177153-G-A. GRCh37 (hg19) VCF-style: chr5-127512845-G-A.
Other names: c.2930-1414G>A (NM_001256461.2).
Identifiers: ClinVar variation 3601714 (VCV003601714.1).

ClinVar aggregate classification (germline): Likely pathogenic (1 of 4 stars; one submission).

Conditions:
Hearing loss, autosomal dominant 78. Also called: DEAFNESS, AUTOSOMAL DOMINANT 78. Identifiers: MedGen C5436768, MONDO:0033665, OMIM 619081.

Submission:

Institute of Rare Diseases, West China Hospital, Sichuan University
Classification: Likely pathogenic for Hearing loss, autosomal dominant 78. Last evaluated: 2025-01-09. Review status: criteria provided, single submitter. Criteria: ClinGen HL ACMG Specifications v1. Collection method: research. Allele origin: germline. Affected: yes.
Comment: PVS1;PM2_Supporting